The following is an entry in ClinVar:

ClinVar aggregate classification (germline): Uncertain significance (1 of 4 stars; one submission).

Conditions:
Hereditary cancer-predisposing syndrome. Also called: Hereditary Cancer Syndrome; Hereditary neoplastic syndrome; Tumor predisposition; Neoplastic Syndromes, Hereditary. Identifiers: Orphanet 140162, MedGen C0027672, MeSH D009386, MONDO:0015356.

Allele frequency attached by ClinVar (database versions not stated): gnomAD exomes below 0.00001.
gnomAD v4.1: 1 of 1,611,238 alleles (0.000062%); highest among the groups gnomAD compares: Non-Finnish European, 0.000085%; no homozygotes.

Submission:

Ambry Genetics
Classification: Uncertain significance for Hereditary cancer-predisposing syndrome. Last evaluated: 2022-04-19. Review status: criteria provided, single submitter. Criteria: Ambry Variant Classification Scheme 2023. Collection method: clinical testing. Allele origin: germline.
Comment: The p.P808S variant (also known as c.2422C>T), located in coding exon 23 of the RB1 gene, results from a C to T substitution at nucleotide position 2422. The proline at codon 808 is replaced by serine, an amino acid with similar properties. This amino acid position is conserved. In addition, the in silico prediction for this alteration is inconclusive. Since supporting evidence is limited at this time, the clinical significance of this alteration remains unclear.

NM_000321.3(RB1):c.2422C>T (p.Pro808Ser)

Gene: RB1 (RB transcriptional corepressor 1; plus strand). Cytogenetic location: 13q14.2.
Variant type: single nucleotide variant.
Coding change: c.2422C>T on transcript NM_000321.3 (MANE Select); coding-DNA position 2422, C replaced by T.
Protein change: p.Pro808Ser; replaces proline 808 with serine.
Molecular consequence: missense variant.
Genome position (GRCh38, 1-based): chr13:48,465,301, C>T. VCF-style: chr13-48465301-C-T. GRCh37 (hg19) VCF-style: chr13-49039437-C-T.
Other names: c.2422C>T, p.Pro808Ser (NM_001407165.1); short protein forms P808S.
Identifiers: ClinVar variation 1791040 (VCV001791040.3), dbSNP rs2138345937, ClinGen allele CA388167949.